The following is an entry in ClinVar:

ClinVar aggregate classification (germline): Uncertain significance. Review status: criteria provided, multiple submitters, no conflicts (2 of 4 stars). 2 submissions from 2 submitters: Uncertain significance (2). Last evaluated 2019-06-11.

Conditions:
Hereditary cancer-predisposing syndrome. Also called: Hereditary neoplastic syndrome; Neoplastic Syndromes, Hereditary; Tumor predisposition; Hereditary Cancer Syndrome. Identifiers: Orphanet 140162, MedGen C0027672, MeSH D009386, MONDO:0015356.

Submissions (2):

Quest Diagnostics Nichols Institute San Juan Capistrano
Classification: Uncertain significance. Last evaluated: 2019-06-11. Review status: criteria provided, single submitter. Criteria: Quest Diagnostics criteria. Collection method: clinical testing. Allele origin: germline.

Ambry Genetics
Classification: Uncertain significance for Hereditary cancer-predisposing syndrome. Last evaluated: 2014-06-02. Review status: criteria provided, single submitter. Criteria: Ambry Variant Classification Scheme 2023. Collection method: clinical testing. Allele origin: germline.
Comment: The p.F10L variant (also known as c.30C>G), located in coding exon 1 of the MSH6 gene, results from a C to G substitution at nucleotide position 30. The phenylalanine at codon 10 is replaced by leucine, an amino acid with highly similar properties. This variant was not reported in population based cohorts in the following databases: Database of Single Nucleotide Polymorphisms (dbSNP), NHLBI Exome Sequencing Project (ESP), and 1000 Genomes Project. To date, this alteration has been detected with an allele frequency of approximately 0.006% (greater than 17000 alleles tested) in our clinical cohort (includes this individual). This amino acid position is highly conserved in available vertebrate species. In addition, this alteration is predicted to be benign and deleterious by PolyPhen and SIFT in silico analyses, respectively. Since supporting evidence is limited at this time, the clinical significance of p.F10L remains unclear.

NM_000179.3(MSH6):c.30C>G (p.Phe10Leu)

Gene: MSH6 (mutS homolog 6; plus strand). Cytogenetic location: 2p16.3.
Variant type: single nucleotide variant.
Coding change: c.30C>G on transcript NM_000179.3 (MANE Select); coding-DNA position 30, C replaced by G.
Protein change: p.Phe10Leu; replaces phenylalanine 10 with leucine.
Molecular consequence: missense variant. On other transcripts: 5 prime UTR variant (1).
Genome position (GRCh38, 1-based): chr2:47,783,263, C>G. VCF-style: chr2-47783263-C-G. GRCh37 (hg19) VCF-style: chr2-48010402-C-G.
Other names: c.30C>G, p.Phe10Leu (NM_001281492.2); c.-707C>G (NM_001281493.2); short protein forms F10L.
Identifiers: ClinVar variation 185016 (VCV000185016.7), dbSNP rs786201869, ClinGen allele CA011525.